The following is an entry in ClinVar:

ClinVar aggregate classification (germline): Pathogenic (1 of 4 stars; one submission).

Conditions:
Pontocerebellar hypoplasia type 2E. Identifiers: Orphanet 247198, MedGen C4014488, MONDO:0014370, OMIM 615851.

Submission:

Myriad Genetics, Inc.
Classification: Pathogenic for Pontocerebellar hypoplasia type 2E. Last evaluated: 2024-06-01. Review status: criteria provided, single submitter. Criteria: Myriad Autosomal Dominant, Autosomal Recessive and X-Linked Classification Criteria (2023). Collection method: clinical testing. Allele origin: unknown.
Comment: NM_001128159.2(VPS53):c.1385dupA(D462Efs*2) is expected to be pathogenic in the context of pontocerebellar hypoplasia, VPS53-related. This variant is predicted to lead to an abnormal or absent protein product due to the creation of a premature termination codon in VPS53, a gene where loss-of-function variants are known to be pathogenic. Please note: this variant was assessed in the context of healthy population screening.

NM_001128159.3(VPS53):c.1385dup (p.Asp462fs)

Gene: VPS53 (VPS53 subunit of GARP complex; minus strand). Cytogenetic location: 17p13.3.
Variant type: Duplication.
Coding change: c.1385dup on transcript NM_001128159.3 (MANE Select); coding-DNA position 1385, one base duplicated (A; older notation c.1385dupA).
Protein change: p.Asp462fs; shifts the reading frame from aspartic acid 462.
Molecular consequence: frameshift variant.
Genome position (GRCh38, 1-based): chr17:562,674, T duplicated on the plus strand (A on the coding strand, the reverse complement: VPS53 is on the minus strand). VCF-style (leftmost placement, unchanged base first): chr17-562673-A-AT. GRCh37 (hg19) VCF-style: chr17-465913-A-AT.
Other names: c.1385dup, p.Asp462fs (NM_001366253.2); c.791dup, p.Asp264fs (NM_001366254.2); c.1298dup, p.Asp433fs (NM_018289.4); short protein forms D264fs, D433fs, D462fs.
Identifiers: ClinVar variation 5013129 (VCV005013129.1).